The following is an entry in ClinVar:

ClinVar aggregate classification (germline): Uncertain significance. Review status: criteria provided, single submitter (1 of 4 stars). 2 submissions from 2 submitters: Uncertain significance (1). 1 of the submissions does not count toward it. Last evaluated 2022-09-02.

Conditions:
FLT4-related disorder. Also called: FLT4-related condition.

Allele frequency attached by ClinVar (database versions not stated): TOPMed below 0.00001.

Submissions (2):

GeneDx
Classification: Uncertain significance. Last evaluated: 2022-09-02. Review status: criteria provided, single submitter. Criteria: GeneDx Variant Classification Process June 2021. Collection method: clinical testing. Allele origin: germline. Affected: yes.
Comment: Not observed at significant frequency in large population cohorts (gnomAD); In silico analysis supports that this missense variant does not alter protein structure/function; Has not been previously published as pathogenic or benign to our knowledge

PreventionGenetics, part of Exact Sciences
Classification: Uncertain significance for FLT4-related condition. Last evaluated: 2024-08-27. Review status: no assertion criteria provided. Collection method: clinical testing. Allele origin: germline. Not counted in ClinVar's aggregate classification.
Comment: The FLT4 c.1933C>A variant is predicted to result in the amino acid substitution p.Pro645Thr. To our knowledge, this variant has not been reported in the literature or in gnomAD, indicating this variant is rare. At this time, the clinical significance of this variant is uncertain due to the absence of conclusive functional and genetic evidence.

NM_182925.5(FLT4):c.1933C>A (p.Pro645Thr)

Gene: FLT4 (fms related receptor tyrosine kinase 4; minus strand). Cytogenetic location: 5q35.3.
Variant type: single nucleotide variant.
Coding change: c.1933C>A on transcript NM_182925.5 (MANE Select); coding-DNA position 1933, C replaced by A.
Protein change: p.Pro645Thr; replaces proline 645 with threonine.
Molecular consequence: missense variant.
Genome position (GRCh38, 1-based): chr5:180,621,629, G>T on the plus strand (C>A on the coding strand, the complement: FLT4 is on the minus strand). VCF-style: chr5-180621629-G-T. GRCh37 (hg19) VCF-style: chr5-180048629-G-T.
Other names: c.1933C>A, p.Pro645Thr (NM_001354989.2, NM_002020.5); short protein forms P645T.
Identifiers: ClinVar variation 2442714 (VCV002442714.2), dbSNP rs1763153811, ClinGen allele CA362503273.